The following is an entry in ClinVar:

ClinVar aggregate classification (germline): Uncertain significance (1 of 4 stars; one submission).

Submission:

GeneDx
Classification: Uncertain significance. Last evaluated: 2024-05-30. Review status: criteria provided, single submitter. Criteria: GeneDx Variant Classification Process June 2021. Collection method: clinical testing. Allele origin: germline. Affected: yes.
Comment: Not observed at significant frequency in large population cohorts (gnomAD); In silico analysis supports a deleterious effect on splicing; In silico analysis indicates that this missense variant does not alter protein structure/function; Has not been previously published as pathogenic or benign to our knowledge

NM_015057.5(MYCBP2):c.3932C>G (p.Ala1311Gly)

Gene: MYCBP2 (MYC binding protein 2; minus strand). Cytogenetic location: 13q22.3.
Variant type: single nucleotide variant.
Coding change: c.3932C>G on transcript NM_015057.5 (MANE Select); coding-DNA position 3932, C replaced by G.
Protein change: p.Ala1311Gly; replaces alanine 1311 with glycine.
Molecular consequence: missense variant.
Genome position (GRCh38, 1-based): chr13:77,194,156, G>C on the plus strand (C>G on the coding strand, the complement: MYCBP2 is on the minus strand). VCF-style: chr13-77194156-G-C. GRCh37 (hg19) VCF-style: chr13-77768291-G-C.
Other names: short protein forms A1311G.
Identifiers: ClinVar variation 3383799 (VCV003383799.1).
Genomic context (GRCh38, chr13:77,194,156, plus strand): 5'-TAAATTTTTAATATTAAGTATGCAAGAGTTACAATGAATAATGCACAAATTATTTACCTA[G>C]CAGCACAGTCATAAGCCAATACATCAGTCTCTGCAAGAAGGTCACCATCAGTTTCATGAT-3'
Protein context (NP_055872.4, residues 1301-1321): ETDVLAYDCA[Ala1311Gly]REKYAMMFDE